The following is an entry in ClinVar:

NM_020937.4(FANCM):c.682-5T>G

Gene: FANCM (FA complementation group M; plus strand). Cytogenetic location: 14q21.2.
Variant type: single nucleotide variant.
Coding change: c.682-5T>G on transcript NM_020937.4 (MANE Select); 5 bases into the intron before coding-DNA position 682, T replaced by G.
Molecular consequence: intron variant.
Genome position (GRCh38, 1-based): chr14:45,140,627, T>G. VCF-style: chr14-45140627-T-G. GRCh37 (hg19) VCF-style: chr14-45609830-T-G.
Other names: c.681+3386T>G (NM_001308133.2); c.682-5T>G (NM_001308134.2).
Identifiers: ClinVar variation 2807543 (VCV002807543.3), dbSNP rs1885846914, ClinGen allele CA2133601258.

ClinVar aggregate classification (germline): Uncertain significance (1 of 4 stars; one submission).

Conditions:
Fanconi anemia (FA). Also called: Fanconi's anemia. Identifiers: Orphanet 84, MedGen C0015625, MeSH D005199, MONDO:0019391.

gnomAD v4.1: 2 of 1,564,500 alleles (0.00013%); highest among the groups gnomAD compares: Non-Finnish European, 0.000088%; no homozygotes.

Submission:

Labcorp Genetics (formerly Invitae), Labcorp
Classification: Uncertain significance for Fanconi anemia. Last evaluated: 2022-12-19. Review status: criteria provided, single submitter. Criteria: Invitae Variant Classification Sherloc (09022015). Collection method: clinical testing. Allele origin: germline.
Comment: Algorithms developed to predict the effect of sequence changes on RNA splicing suggest that this variant may disrupt the consensus splice site. This sequence change falls in intron 2 of the FANCM gene. It does not directly change the encoded amino acid sequence of the FANCM protein. This variant is not present in population databases (gnomAD no frequency). This variant has not been reported in the literature in individuals affected with FANCM-related conditions. In summary, the available evidence is currently insufficient to determine the role of this variant in disease. Therefore, it has been classified as a Variant of Uncertain Significance.